The following is an entry in ClinVar:

NM_001267550.2(TTN):c.12572T>C (p.Ile4191Thr)

Gene: TTN (titin; minus strand). Cytogenetic location: 2q31.2.
Variant type: single nucleotide variant.
Coding change: c.12572T>C on transcript NM_001267550.2 (MANE Select); coding-DNA position 12572, T replaced by C.
Protein change: p.Ile4191Thr; replaces isoleucine 4191 with threonine.
Molecular consequence: missense variant. On other transcripts: intron variant (1).
Genome position (GRCh38, 1-based): chr2:178,740,661, A>G on the plus strand (T>C on the coding strand, the complement: TTN is on the minus strand). VCF-style: chr2-178740661-A-G. GRCh37 (hg19) VCF-style: chr2-179605388-A-G.
Other names: c.11621T>C, p.Ile3874Thr (NM_001256850.1); c.11483T>C, p.Ile3828Thr (NM_003319.4); c.11858T>C, p.Ile3953Thr (NM_133432.3); c.12059T>C, p.Ile4020Thr (NM_133437.4); c.10361-2301T>C (NM_133378.4); short protein forms I4191T, I3828T, I3874T, I4020T, I3953T.
Identifiers: ClinVar variation 535541 (VCV000535541.5), dbSNP rs371669309, ClinGen allele CA2002690.

ClinVar aggregate classification (germline): Uncertain significance. Review status: criteria provided, multiple submitters, no conflicts (2 of 4 stars). 3 submissions from 3 submitters: Uncertain significance (3). Last evaluated 2025-07-02.

Conditions:
Dilated cardiomyopathy 1G (CMD1G). Identifiers: Orphanet 154, MedGen C1858763, MONDO:0011400, OMIM 604145.
Autosomal recessive limb-girdle muscular dystrophy type 2J (LGMDR10). Also called: MUSCULAR DYSTROPHY, LIMB-GIRDLE, AUTOSOMAL RECESSIVE 10; Limb-girdle muscular dystrophy, type 2J. Identifiers: Orphanet 140922, MedGen C1837342, MONDO:0012127, OMIM 608807.
TTN-related disorder. Also called: TTN-related condition; TTN-related disease; TTN-related disorders.
Myopathy, myofibrillar, 9, with early respiratory failure (MFM9). Also called: Myopathy, distal, with early respiratory failure, autosomal dominant; EDSTROM MYOPATHY; Hereditary myopathy with early respiratory failure; MYOPATHY, PROXIMAL, WITH EARLY RESPIRATORY MUSCLE INVOLVEMENT. Identifiers: Orphanet 178464, Orphanet 34521, MedGen C1863599, MONDO:0011362, OMIM 603689.
Early-onset myopathy with fatal cardiomyopathy (CMYO5). Also called: CONGENITAL MYOPATHY 5 WITH CARDIOMYOPATHY; Salih Myopathy. Identifiers: Orphanet 289377, MedGen C2673677, MONDO:0012714, OMIM 611705. Disease mechanism: loss of function.
Hypertrophic cardiomyopathy 9. Also called: Familial hypertrophic cardiomyopathy 9. Identifiers: MedGen C1861065, MONDO:0013412, OMIM 613765.
Tibial muscular dystrophy (TMD). Also called: Udd Distal Myopathy – Tibial Muscular Dystrophy; Tibial muscular dystrophy, tardive; UDD MYOPATHY. Identifiers: Orphanet 609, MedGen C1838244, MONDO:0010870, OMIM 600334.

Allele frequency attached by ClinVar (database versions not stated): gnomAD 0.00001 and 0.00003; gnomAD exomes 0.00002 and 0.00003; TOPMed 0.00003; ExAC 0.00004; ESP Exome Variant Server 0.00008.
gnomAD v4.1: 13 of 1,613,700 alleles (0.00081%); highest among the groups gnomAD compares: Admixed American, 0.013%; no homozygotes.

Submissions (3):

PreventionGenetics, part of Exact Sciences
Classification: Uncertain significance for TTN-related condition. Last evaluated: 2025-07-02. Review status: criteria provided, single submitter. Criteria: ACMG Guidelines, 2015. Collection method: clinical testing. Allele origin: germline.
Comment: The TTN c.12572T>C variant is predicted to result in the amino acid substitution p.Ile4191Thr. To our knowledge, this variant has not been reported in the literature. This variant is reported in 0.012% of alleles in individuals of Latino descent in gnomAD. At this time, the clinical significance of this variant is uncertain due to the absence of conclusive functional and genetic evidence.

Fulgent Genetics
Classification: Uncertain significance for Tibial muscular dystrophy; Myopathy, myofibrillar, 9, with early respiratory failure; Dilated cardiomyopathy 1G; Autosomal recessive limb-girdle muscular dystrophy type 2J; Early-onset myopathy with fatal cardiomyopathy; Hypertrophic cardiomyopathy 9. Last evaluated: 2021-09-24. Review status: criteria provided, single submitter. Criteria: ACMG Guidelines, 2015. Collection method: clinical testing. Allele origin: unknown.

Labcorp Genetics (formerly Invitae), Labcorp
Classification: Uncertain significance for Dilated cardiomyopathy 1G; Autosomal recessive limb-girdle muscular dystrophy type 2J. Last evaluated: 2018-01-04. Review status: criteria provided, single submitter. Criteria: Invitae Variant Classification Sherloc (09022015). Collection method: clinical testing. Allele origin: germline.